The following is an entry in ClinVar:

NM_013254.4(TBK1):c.962C>T (p.Ala321Val)

Gene: TBK1 (TANK binding kinase 1; plus strand). Cytogenetic location: 12q14.2.
Variant type: single nucleotide variant.
Coding change: c.962C>T on transcript NM_013254.4 (MANE Select); coding-DNA position 962, C replaced by T.
Protein change: p.Ala321Val; replaces alanine 321 with valine.
Molecular consequence: missense variant.
Genome position (GRCh38, 1-based): chr12:64,481,991, C>T. VCF-style: chr12-64481991-C-T. GRCh37 (hg19) VCF-style: chr12-64875771-C-T.
Other names: short protein forms A321V.
Identifiers: ClinVar variation 1474084 (VCV001474084.6), dbSNP rs762705031, ClinGen allele CA6668931.
Genomic context (GRCh38, chr12:64,481,991, plus strand): 5'-AAACTAGTGATATACTTCACCGAATGGTAATTCATGTTTTTTCGCTACAACAAATGACAG[C>T]TCATAAGATTTATATTCATAGCTATAATACGTAAGTATCTCTATTTTCTTCTTGTATCAA-3'
Protein context (NP_037386.1, residues 311-331): IHVFSLQQMT[Ala321Val]HKIYIHSYNT

ClinVar aggregate classification (germline): Uncertain significance (1 of 4 stars; one submission).

Conditions:
Frontotemporal dementia and/or amyotrophic lateral sclerosis 4. Also called: FTDALS4. Identifiers: Orphanet 275872, MedGen C4225325, MONDO:0014641, OMIM 616439.

Allele frequency attached by ClinVar (database versions not stated): gnomAD exomes below 0.00001; ExAC 0.00001; gnomAD 0.00001.

Submission:

Labcorp Genetics (formerly Invitae), Labcorp
Classification: Uncertain significance for Frontotemporal dementia and/or amyotrophic lateral sclerosis 4. Last evaluated: 2022-08-09. Review status: criteria provided, single submitter. Criteria: Invitae Variant Classification Sherloc (09022015). Collection method: clinical testing. Allele origin: germline.
Comment: In summary, the available evidence is currently insufficient to determine the role of this variant in disease. Therefore, it has been classified as a Variant of Uncertain Significance. Advanced modeling of protein sequence and biophysical properties (such as structural, functional, and spatial information, amino acid conservation, physicochemical variation, residue mobility, and thermodynamic stability) performed at Invitae indicates that this missense variant is not expected to disrupt TBK1 protein function. ClinVar contains an entry for this variant (Variation ID: 1474084). This variant has not been reported in the literature in individuals affected with TBK1-related conditions. This variant is present in population databases (rs762705031, gnomAD 0.007%). This sequence change replaces alanine, which is neutral and non-polar, with valine, which is neutral and non-polar, at codon 321 of the TBK1 protein (p.Ala321Val).